The following is an entry in ClinVar:

ClinVar aggregate classification (germline): Uncertain significance (1 of 4 stars; one submission).

Allele frequency attached by ClinVar (database versions not stated): ExAC 0.00001; gnomAD exomes 0.00001; TOPMed 0.00002; gnomAD 0.00003; 1000 Genomes Project 30x 0.00016; 1000 Genomes Project 0.00020.
gnomAD v4.1: 19 of 1,612,354 alleles (0.0012%); highest among the groups gnomAD compares: African/African-American, 0.024%; no homozygotes.

Submission:

Labcorp Genetics (formerly Invitae), Labcorp
Classification: Uncertain significance. Last evaluated: 2022-10-05. Review status: criteria provided, single submitter. Criteria: Invitae Variant Classification Sherloc (09022015). Collection method: clinical testing. Allele origin: germline.
Comment: In summary, the available evidence is currently insufficient to determine the role of this variant in disease. Therefore, it has been classified as a Variant of Uncertain Significance. Advanced modeling of protein sequence and biophysical properties (such as structural, functional, and spatial information, amino acid conservation, physicochemical variation, residue mobility, and thermodynamic stability) performed at Invitae indicates that this missense variant is not expected to disrupt PDE6B protein function. This sequence change replaces lysine, which is basic and polar, with asparagine, which is neutral and polar, at codon 693 of the PDE6B protein (p.Lys693Asn). This variant is present in population databases (rs528393303, gnomAD 0.01%). This variant has not been reported in the literature in individuals affected with PDE6B-related conditions. ClinVar contains an entry for this variant (Variation ID: 1421039).

NM_000283.4(PDE6B):c.2079G>C (p.Lys693Asn)

Gene: PDE6B (phosphodiesterase 6B; plus strand). Cytogenetic location: 4p16.3.
Variant type: single nucleotide variant.
Coding change: c.2079G>C on transcript NM_000283.4 (MANE Select); coding-DNA position 2079, G replaced by C.
Protein change: p.Lys693Asn; replaces lysine 693 with asparagine.
Molecular consequence: missense variant.
Genome position (GRCh38, 1-based): chr4:664,171, G>C. VCF-style: chr4-664171-G-C. GRCh37 (hg19) VCF-style: chr4-657960-G-C.
Other names: c.2079G>C, p.Lys693Asn (NM_001145291.2); c.1242G>C, p.Lys414Asn (NM_001145292.2, NM_001350154.3, NM_001379246.1 and 1 more transcripts); c.924G>C, p.Lys308Asn (NM_001350155.3); short protein forms K308N, K414N, K693N.
Identifiers: ClinVar variation 1421039 (VCV001421039.6), dbSNP rs528393303, ClinGen allele CA2794839.
Genomic context (GRCh38, chr4:664,171, plus strand): 5'-CAGGAAGAGAGCGATGTTTCAGAAGATCGTGGATGAGTCCAAGAACTACCAGGACAAGAA[G>C]AGCTGGGTGGAGTACCTGTCCCTGGAGACGACCCGGAAGGAGATCGTCATGTGAGCGCGG-3'
Protein context (NP_000274.3, residues 683-703): VDESKNYQDK[Lys693Asn]SWVEYLSLET